The following is an entry in ClinVar:

ClinVar aggregate classification (germline): Uncertain significance (1 of 4 stars; one submission).

Conditions:
Neurodevelopmental disorder with dysmorphic facies and thin corpus callosum. Identifiers: MedGen C5551361, MONDO:0859179, OMIM 619480.

Submission:

Neuberg Centre For Genomic Medicine, NCGM
Classification: Uncertain significance for Neurodevelopmental disorder with dysmorphic facies and thin corpus callosum. Last evaluated: 2023-07-22. Review status: criteria provided, single submitter. Criteria: ACMG Guidelines, 2015. Collection method: clinical testing. Allele origin: germline. Inheritance: Autosomal dominant inheritance. Affected: yes.
Comment: The observed missense variant c.1959C>Gp.Ile653Met in SUPT16H gene has not been reported previously as a pathogenic variant nor as a benign variant, to our knowledge. The p.Ile653Met variant is absent in gnomAD Exomes. The amino acid Ile at position 653 is changed to a Met changing protein sequence and it might alter its composition and physico-chemical properties. Computational evidence Polyphen-Tolerated, SIFT-Benign and Mutation Taster-disease causing predicts conflicting evidence on protein structure and function for this variant. The reference amino acid p.Ile653Met in SUPT16H is predicted as conserved by GERP++ and PhyloP across 100 vertebrates. For these reasons, this variant has been classified as Uncertain Significance.

NM_007192.4(SUPT16H):c.1959C>G (p.Ile653Met)

Gene: SUPT16H (SPT16 homolog, facilitates chromatin remodeling subunit; minus strand). Cytogenetic location: 14q11.2.
Variant type: single nucleotide variant.
Coding change: c.1959C>G on transcript NM_007192.4 (MANE Select); coding-DNA position 1959, C replaced by G.
Protein change: p.Ile653Met; replaces isoleucine 653 with methionine.
Molecular consequence: missense variant.
Genome position (GRCh38, 1-based): chr14:21,360,943, G>C on the plus strand (C>G on the coding strand, the complement: SUPT16H is on the minus strand). VCF-style: chr14-21360943-G-C. GRCh37 (hg19) VCF-style: chr14-21829102-G-C.
Other names: short protein forms I653M.
Identifiers: ClinVar variation 3391251 (VCV003391251.1).
Genomic context (GRCh38, chr14:21,360,943, plus strand): 5'-TTGGGCAATATTTGGGCGAATGTATAGATCTTTCAGTTTCGGATTACTCCGGTTTAGATT[G>C]ATCACCAGTGAGTCTTGTTTTACAATCCCCTAAGCAAGAAGAAAATTAATGTGAATTGTC-3'
Protein context (NP_009123.1, residues 643-663): EGIVKQDSLV[Ile653Met]NLNRSNPKLK